The following is an entry in ClinVar:

NM_001376.5(DYNC1H1):c.9295A>G (p.Thr3099Ala)

Genes: DYNC1H1 (dynein cytoplasmic 1 heavy chain 1; plus strand), LOC126862060 (BRD4-independent group 4 enhancer GRCh37_chr14:102493659-102494858; plus strand). Cytogenetic location: 14q32.31.
Variant type: single nucleotide variant.
Coding change: c.9295A>G on transcript NM_001376.5 (MANE Select); coding-DNA position 9295, A replaced by G.
Protein change: p.Thr3099Ala; replaces threonine 3099 with alanine.
Molecular consequence: missense variant.
Genome position (GRCh38, 1-based): chr14:102,027,968, A>G. VCF-style: chr14-102027968-A-G. GRCh37 (hg19) VCF-style: chr14-102494305-A-G.
Other names: short protein forms T3099A.
Identifiers: ClinVar variation 1502645 (VCV001502645.8), dbSNP rs2152589296, ClinGen allele CA391013259.

ClinVar aggregate classification (germline): Uncertain significance (1 of 4 stars; one submission).

Conditions:
Charcot-Marie-Tooth disease axonal type 2O. Also called: Charcot-Marie-Tooth Neuropathy Type 2O; Charcot-Marie-Tooth disease, axonal, type 20; CHARCOT-MARIE-TOOTH NEUROPATHY, AXONAL, TYPE 2O; CHARCOT-MARIE-TOOTH DISEASE, AXONAL, AUTOSOMAL DOMINANT, TYPE 2O. Identifiers: Orphanet 284232, MedGen C3280220, MONDO:0013644, OMIM 614228.

gnomAD v4.1: 1 of 1,614,186 alleles (0.000062%); highest among the groups gnomAD compares: Non-Finnish European, 0.000085%; no homozygotes.

Submission:

Labcorp Genetics (formerly Invitae), Labcorp
Classification: Uncertain significance for Charcot-Marie-Tooth disease axonal type 2O. Last evaluated: 2025-09-02. Review status: criteria provided, single submitter. Criteria: Invitae Variant Classification Sherloc (09022015). Collection method: clinical testing. Allele origin: germline.
Comment: This sequence change replaces threonine, which is neutral and polar, with alanine, which is neutral and non-polar, at codon 3099 of the DYNC1H1 protein (p.Thr3099Ala). This variant is not present in population databases (gnomAD no frequency). This variant has not been reported in the literature in individuals affected with DYNC1H1-related conditions. ClinVar contains an entry for this variant (Variation ID: 1502645). Invitae Evidence Modeling of protein sequence and biophysical properties (such as structural, functional, and spatial information, amino acid conservation, physicochemical variation, residue mobility, and thermodynamic stability) indicates that this missense variant is not expected to disrupt DYNC1H1 protein function with a negative predictive value of 95%. In summary, the available evidence is currently insufficient to determine the role of this variant in disease. Therefore, it has been classified as a Variant of Uncertain Significance.